The following is an entry in ClinVar:

NM_177438.3(DICER1):c.1129G>A (p.Val377Ile)

Gene: DICER1 (dicer 1, ribonuclease III; minus strand). Cytogenetic location: 14q32.13.
Variant type: single nucleotide variant.
Coding change: c.1129G>A on transcript NM_177438.3 (MANE Select); coding-DNA position 1129, G replaced by A.
Protein change: p.Val377Ile; replaces valine 377 with isoleucine.
Molecular consequence: missense variant.
Genome position (GRCh38, 1-based): chr14:95,124,443, C>T on the plus strand (G>A on the coding strand, the complement: DICER1 is on the minus strand). VCF-style: chr14-95124443-C-T. GRCh37 (hg19) VCF-style: chr14-95590780-C-T.
Other names: c.1129G>A, p.Val377Ile (NM_001195573.1, NM_001271282.3, NM_001291628.2 and 1 more transcripts); short protein forms V377I.
Identifiers: ClinVar variation 933046 (VCV000933046.6), dbSNP rs1893220138, ClinGen allele CA390886900.

ClinVar aggregate classification (germline): Uncertain significance. Review status: criteria provided, multiple submitters, no conflicts (2 of 4 stars). 3 submissions from 3 submitters: Uncertain significance (3). Last evaluated 2024-02-06.

Conditions:
DICER1-related tumor predisposition. Also called: DICER1-related pleuropulmonary blastoma cancer predisposition syndrome; DICER1 syndrome. Identifiers: Orphanet 284343, MedGen C3839822, MONDO:0100216.
Hereditary cancer-predisposing syndrome. Also called: Tumor predisposition; Hereditary neoplastic syndrome; Neoplastic Syndromes, Hereditary; Hereditary Cancer Syndrome. Identifiers: Orphanet 140162, MedGen C0027672, MeSH D009386, MONDO:0015356.

Allele frequency attached by ClinVar (database versions not stated): gnomAD exomes below 0.00001.
gnomAD v4.1: 2 of 1,614,128 alleles (0.00012%); highest among the groups gnomAD compares: Non-Finnish European, 0.000085%; no homozygotes.

Submissions (3):

Labcorp Genetics (formerly Invitae), Labcorp
Classification: Uncertain significance for DICER1-related tumor predisposition. Last evaluated: 2024-02-06. Review status: criteria provided, single submitter. Criteria: Invitae Variant Classification Sherloc (09022015). Collection method: clinical testing. Allele origin: germline.
Comment: This sequence change replaces valine, which is neutral and non-polar, with isoleucine, which is neutral and non-polar, at codon 377 of the DICER1 protein (p.Val377Ile). This variant is not present in population databases (gnomAD no frequency). This variant has not been reported in the literature in individuals affected with DICER1-related conditions. ClinVar contains an entry for this variant (Variation ID: 933046). Advanced modeling of protein sequence and biophysical properties (such as structural, functional, and spatial information, amino acid conservation, physicochemical variation, residue mobility, and thermodynamic stability) performed at Invitae indicates that this missense variant is not expected to disrupt DICER1 protein function with a negative predictive value of 80%. In summary, the available evidence is currently insufficient to determine the role of this variant in disease. Therefore, it has been classified as a Variant of Uncertain Significance.

Ambry Genetics
Classification: Uncertain significance for Hereditary cancer-predisposing syndrome. Last evaluated: 2023-10-24. Review status: criteria provided, single submitter. Criteria: Ambry Variant Classification Scheme 2023. Collection method: clinical testing. Allele origin: germline.
Comment: The p.V377I variant (also known as c.1129G>A), located in coding exon 7 of the DICER1 gene, results from a G to A substitution at nucleotide position 1129. The valine at codon 377 is replaced by isoleucine, an amino acid with highly similar properties. This amino acid position is highly conserved in available vertebrate species. In addition, this alteration is predicted to be tolerated by in silico analysis. Since supporting evidence is limited at this time, the clinical significance of this alteration remains unclear.

Foulkes Cancer Genetics LDI, Lady Davis Institute for Medical Research
Classification: Uncertain significance. Last evaluated: 2019-07-01. Review status: criteria provided, single submitter. Criteria: ACMG Guidelines, 2015. Collection method: curation. Allele origin: somatic. Affected: yes. Observed: 1 variant allele.
Comment: ACMG criteria met: PM2, PP4, BP1

Literature cited by the submitters: PubMed 26925222 (cited by Ambry Genetics and Foulkes Cancer Genetics LDI, Lady Davis Institute for Medical Research).